The following is an entry in ClinVar:

NM_033118.4(MYLK2):c.62C>T (p.Pro21Leu)

Gene: MYLK2 (myosin light chain kinase 2; plus strand). Cytogenetic location: 20q11.21.
Variant type: single nucleotide variant.
Coding change: c.62C>T on transcript NM_033118.4 (MANE Select); coding-DNA position 62, C replaced by T.
Protein change: p.Pro21Leu; replaces proline 21 with leucine.
Molecular consequence: missense variant.
Genome position (GRCh38, 1-based): chr20:31,820,135, C>T. VCF-style: chr20-31820135-C-T. GRCh37 (hg19) VCF-style: chr20-30407938-C-T.
Other names: short protein forms P21L.
Identifiers: ClinVar variation 432526 (VCV000432526.3), dbSNP rs562971411, ClinGen allele CA408524847.

ClinVar aggregate classification (germline): Uncertain significance. Review status: criteria provided, multiple submitters, no conflicts (2 of 4 stars). 2 submissions from 2 submitters: Uncertain significance (2). Last evaluated 2024-02-06.

Allele frequency attached by ClinVar (database versions not stated): TOPMed 0.00002; gnomAD 0.00003.
gnomAD v4.1: 5 of 1,613,686 alleles (0.00031%); highest among the groups gnomAD compares: African/African-American, 0.0067%; no homozygotes.

Submissions (2):

Ambry Genetics
Classification: Uncertain significance. Last evaluated: 2024-02-06. Review status: criteria provided, single submitter. Criteria: Ambry Variant Classification Scheme 2023. Collection method: clinical testing. Allele origin: germline.
Comment: The p.P21L variant (also known as c.62C>T), located in coding exon 2 of the MYLK2 gene, results from a C to T substitution at nucleotide position 62. The proline at codon 21 is replaced by leucine, an amino acid with similar properties. This amino acid position is conserved. In addition, this alteration is predicted to be tolerated by in silico analysis. Based on the available evidence, the clinical significance of this alteration remains unclear.

GeneDx
Classification: Uncertain significance. Last evaluated: 2017-06-06. Review status: criteria provided, single submitter. Criteria: GeneDx Variant Classification (06012015). Collection method: clinical testing. Allele origin: germline. Affected: yes.
Comment: A variant of uncertain significance has been identified in the MYLK2 gene. The P21L variant has not been published as pathogenic or been reported as benign to our knowledge. This variant is not observed in large population cohorts (Lek et al., 2016; 1000 Genomes Consortium et al., 2015; Exome Variant Server). The P21L variant is a semi-conservative amino acid substitution, which may impact secondary protein structure as these residues differ in some properties. However, this substitution occurs at a position that is not conserved across species and in silico analysis suggests that this variant likely does not alter the protein structure/function.